The following is an entry in ClinVar:

ClinVar aggregate classification (germline): Uncertain significance (1 of 4 stars; one submission).

Submission:

Labcorp Genetics (formerly Invitae), Labcorp
Classification: Uncertain significance. Last evaluated: 2023-12-07. Review status: criteria provided, single submitter. Criteria: Invitae Variant Classification Sherloc (09022015). Collection method: clinical testing. Allele origin: germline.
Comment: This sequence change replaces glycine, which is neutral and non-polar, with valine, which is neutral and non-polar, at codon 41 of the SLC24A5 protein (p.Gly41Val). This variant is not present in population databases (gnomAD no frequency). This variant has not been reported in the literature in individuals affected with SLC24A5-related conditions. ClinVar contains an entry for this variant (Variation ID: 1915640). An algorithm developed to predict the effect of missense changes on protein structure and function (PolyPhen-2) suggests that this variant is likely to be tolerated. Algorithms developed to predict the effect of sequence changes on RNA splicing suggest that this variant may disrupt the consensus splice site. In summary, the available evidence is currently insufficient to determine the role of this variant in disease. Therefore, it has been classified as a Variant of Uncertain Significance.

NM_205850.3(SLC24A5):c.122G>T (p.Gly41Val)

Gene: SLC24A5 (solute carrier family 24 member 5; plus strand). Cytogenetic location: 15q21.1.
Variant type: single nucleotide variant.
Coding change: c.122G>T on transcript NM_205850.3 (MANE Select); coding-DNA position 122, G replaced by T.
Protein change: p.Gly41Val; replaces glycine 41 with valine.
Molecular consequence: missense variant.
Genome position (GRCh38, 1-based): chr15:48,121,857, G>T. VCF-style: chr15-48121857-G-T. GRCh37 (hg19) VCF-style: chr15-48414054-G-T.
Other names: short protein forms G41V.
Identifiers: ClinVar variation 1915640 (VCV001915640.5), dbSNP rs2504569287, ClinGen allele CA392447094.
Genomic context (GRCh38, chr15:48,121,857, plus strand): 5'-TGTGGGCTTGGAATGTGTGACTCCAAACTCTTCAAACTTTCACCTCCTTTTCCTTAACAG[G>T]AAATAGCACCCAATGTGTTATTTCTCCATCATCGGAGTTTCCCGAAGGGTTTTTCACGAG-3'
Protein context (NP_995322.1, residues 31-51): SLPQRLPRAT[Gly41Val]NSTQCVISPS